The following is an entry in ClinVar:

ClinVar aggregate classification (germline): Benign/Likely benign. Review status: criteria provided, multiple submitters, no conflicts (2 of 4 stars). 4 submissions from 4 submitters: Benign (1); Likely benign (3). Last evaluated 2025-08-04.

Conditions:
Hereditary nonpolyposis colorectal neoplasms. Identifiers: MedGen C0009405, MeSH D003123.
Lynch syndrome 4 (LYNCH4). Also called: Colorectal cancer, hereditary nonpolyposis, type 4; Hereditary non-polyposis colorectal cancer, type 4. Identifiers: Orphanet 144, MedGen C1838333, MONDO:0013699, OMIM 614337. Disease mechanism: loss of function.
Hereditary cancer-predisposing syndrome. Also called: Neoplastic Syndromes, Hereditary; Hereditary Cancer Syndrome; Tumor predisposition; Hereditary neoplastic syndrome. Identifiers: Orphanet 140162, MedGen C0027672, MeSH D009386, MONDO:0015356.
Lynch syndrome. Identifiers: Orphanet 144, MedGen C4552100, MONDO:0005835. Disease mechanism: loss of function.

Submissions (4):

Labcorp Genetics (formerly Invitae), Labcorp
Classification: Likely benign for Hereditary nonpolyposis colorectal neoplasms. Last evaluated: 2025-08-04. Review status: criteria provided, single submitter. Criteria: Invitae Variant Classification Sherloc (09022015). Collection method: clinical testing. Allele origin: germline.

Myriad Genetics, Inc.
Classification: Benign for Lynch syndrome 4. Last evaluated: 2025-01-24. Review status: criteria provided, single submitter. Criteria: Myriad Autosomal Dominant, Autosomal Recessive and X-Linked Classification Criteria (2023). Collection method: clinical testing. Allele origin: unknown.
Comment: This variant is considered benign. This variant is a silent/synonymous amino acid change and it is not expected to impact splicing.

Ambry Genetics
Classification: Likely benign for Hereditary cancer-predisposing syndrome. Last evaluated: 2023-04-14. Review status: criteria provided, single submitter. Criteria: Ambry Variant Classification Scheme 2023. Collection method: clinical testing. Allele origin: germline.

All of Us Research Program, National Institutes of Health
Classification: Likely benign for Lynch syndrome. Last evaluated: 2023-04-03. Review status: criteria provided, single submitter. Criteria: ACMG Guidelines, 2015. Collection method: clinical testing. Allele origin: germline. Inheritance: Autosomal dominant inheritance. Observed: 1 variant allele, 1 heterozygote.
Comment: This study involves interpretation of variants in research participants for the purpose of population health screening. Participant phenotype was not available at the time of variant classification. Additional details can be found in publication PMID: 35346344, PMCID: PMC8962531

NM_000535.7(PMS2):c.315C>T (p.Gly105=)

Gene: PMS2 (PMS1 homolog 2, mismatch repair system component; minus strand). Cytogenetic location: 7p22.1.
Variant type: single nucleotide variant.
Coding change: c.315C>T on transcript NM_000535.7 (MANE Select); coding-DNA position 315, C replaced by T.
Protein change: p.Gly105=; no amino-acid change (glycine 105 retained).
Molecular consequence: synonymous variant. On other transcripts: 5 prime UTR variant (9), non-coding transcript variant (1), intron variant (2).
Genome position (GRCh38, 1-based): chr7:6,003,728, G>A on the plus strand (C>T on the coding strand, the complement: PMS2 is on the minus strand). VCF-style: chr7-6003728-G-A. GRCh37 (hg19) VCF-style: chr7-6043359-G-A.
Other names: c.-91C>T (NM_001322003.2, NM_001322004.2, NM_001322005.2 and 3 more transcripts); c.315C>T, p.Gly105= (NM_001322006.2, NM_001322014.2); c.-570C>T (NM_001322011.2, NM_001322012.2); c.-170C>T (NM_001322015.2); c.35+244C>T (NM_001322008.2, NM_001322007.2); c.315C>T (NM_000535.5).
Identifiers: ClinVar variation 1132706 (VCV001132706.12), dbSNP rs1472855482, ClinGen allele CA453647929.